The following is an entry in ClinVar:

NM_013275.6(ANKRD11):c.4382A>G (p.Lys1461Arg)

Gene: ANKRD11 (ankyrin repeat domain 11; minus strand). Cytogenetic location: 16q24.3.
Variant type: single nucleotide variant.
Coding change: c.4382A>G on transcript NM_013275.6 (MANE Select); coding-DNA position 4382, A replaced by G.
Protein change: p.Lys1461Arg; replaces lysine 1461 with arginine.
Molecular consequence: missense variant.
Genome position (GRCh38, 1-based): chr16:89,282,160, T>C on the plus strand (A>G on the coding strand, the complement: ANKRD11 is on the minus strand). VCF-style: chr16-89282160-T-C. GRCh37 (hg19) VCF-style: chr16-89348568-T-C.
Other names: c.4382A>G, p.Lys1461Arg (NM_001256182.2, NM_001256183.2); short protein forms K1461R.
Identifiers: ClinVar variation 589071 (VCV000589071.51), dbSNP rs769926682, ClinGen allele CA8242136.

ClinVar aggregate classification (germline): Benign/Likely benign. Review status: criteria provided, multiple submitters, no conflicts (2 of 4 stars). 4 submissions from 4 submitters: Benign (1); Likely benign (3). Last evaluated 2024-11-01.

Conditions:
Inborn genetic diseases. Identifiers: MedGen C0950123, MeSH D030342.
KBG syndrome (KBGS). Also called: ANKRD11-Related KBG Syndrome. Identifiers: Orphanet 2332, MedGen C0220687, MONDO:0007846, OMIM 148050.

Allele frequency attached by ClinVar (database versions not stated): ExAC 0.00005; gnomAD exomes 0.00005 and 0.00006; TOPMed 0.00005; gnomAD 0.00007.
gnomAD v4.1: 79 of 1,613,934 alleles (0.0049%); highest among the groups gnomAD compares: Admixed American, 0.0067%; no homozygotes.

Submissions (4):

CeGaT Center for Human Genetics Tuebingen
Classification: Likely benign. Last evaluated: 2024-11-01. Review status: criteria provided, single submitter. Criteria: CeGaT Center For Human Genetics Tuebingen Variant Classification Criteria Version 2. Collection method: clinical testing. Allele origin: germline. Affected: yes. Observed: 2 variant alleles.
Comment: ANKRD11: BP4, BS1

Blueprint Genetics
Classification: Likely benign. Last evaluated: 2024-10-15. Review status: criteria provided, single submitter. Criteria: ACMG Guidelines, 2015. Collection method: clinical testing. Allele origin: germline.

Labcorp Genetics (formerly Invitae), Labcorp
Classification: Benign for KBG syndrome. Last evaluated: 2023-11-27. Review status: criteria provided, single submitter. Criteria: Invitae Variant Classification Sherloc (09022015). Collection method: clinical testing. Allele origin: germline.

Ambry Genetics
Classification: Likely benign for Inborn genetic diseases. Last evaluated: 2017-05-18. Review status: criteria provided, single submitter. Criteria: Ambry Variant Classification Scheme 2023. Collection method: clinical testing. Allele origin: germline.